The following is an entry in ClinVar:

NM_016203.4(PRKAG2):c.244C>G (p.Gln82Glu)

Gene: PRKAG2 (protein kinase AMP-activated non-catalytic subunit gamma 2; minus strand). Cytogenetic location: 7q36.1.
Variant type: single nucleotide variant.
Coding change: c.244C>G on transcript NM_016203.4 (MANE Select); coding-DNA position 244, C replaced by G.
Protein change: p.Gln82Glu; replaces glutamine 82 with glutamic acid.
Molecular consequence: missense variant. On other transcripts: intron variant (1).
Genome position (GRCh38, 1-based): chr7:151,781,374, G>C on the plus strand (C>G on the coding strand, the complement: PRKAG2 is on the minus strand). VCF-style: chr7-151781374-G-C. GRCh37 (hg19) VCF-style: chr7-151478460-G-C.
Other names: c.112C>G, p.Gln38Glu (NM_001040633.2, NM_001407024.1, NM_001407026.1 and 2 more transcripts); c.244C>G, p.Gln82Glu (NM_001407021.1, NM_001407022.1, NM_001407023.1 and 2 more transcripts); c.148+33042C>G (NM_001407032.1); short protein forms Q82E, Q38E.
Identifiers: ClinVar variation 4696087 (VCV004696087.1).

ClinVar aggregate classification (germline): Uncertain significance. Review status: criteria provided, multiple submitters, no conflicts (2 of 4 stars). 2 submissions from 2 submitters: Uncertain significance (2). Last evaluated 2025-05-12.

Conditions:
Cardiomyopathy (CMYO). Also called: Cardiomyopathies. Identifiers: Orphanet 167848, MedGen C0878544, MONDO:0004994, HP:0001638. Inheritance: Various modes of inheritance.
Lethal congenital glycogen storage disease of heart. Also called: GLYCOGEN STORAGE DISEASE OF HEART; PHOSPHORYLASE KINASE DEFICIENCY OF HEART. Identifiers: Orphanet 439854, MedGen C1849813, MONDO:0009867, OMIM 261740.

Submissions (2):

Color Diagnostics, LLC DBA Color Health
Classification: Uncertain significance for Cardiomyopathy. Last evaluated: 2025-05-12. Review status: criteria provided, single submitter. Criteria: ACMG Guidelines, 2015. Collection method: clinical testing. Allele origin: germline.
Comment: This missense variant replaces glutamine with glutamic acid at codon 82 of the PRKAG2 protein. Computational prediction suggests that this variant may not impact protein structure and function. To our knowledge, functional studies have not been reported for this variant. This variant has not been reported in individuals affected with PRKAG2-related disorders in the literature. This variant has not been identified in the general population by the Genome Aggregation Database (gnomAD). The available evidence is insufficient to determine the role of this variant in disease conclusively. Therefore, this variant is classified as a Variant of Uncertain Significance.

Labcorp Genetics (formerly Invitae), Labcorp
Classification: Uncertain significance for Lethal congenital glycogen storage disease of heart. Last evaluated: 2025-04-17. Review status: criteria provided, single submitter. Criteria: Invitae Variant Classification Sherloc (09022015). Collection method: clinical testing. Allele origin: germline.
Comment: This sequence change replaces glutamine, which is neutral and polar, with glutamic acid, which is acidic and polar, at codon 82 of the PRKAG2 protein (p.Gln82Glu). This variant is not present in population databases (gnomAD no frequency). This variant has not been reported in the literature in individuals affected with PRKAG2-related conditions. Invitae Evidence Modeling of protein sequence and biophysical properties (such as structural, functional, and spatial information, amino acid conservation, physicochemical variation, residue mobility, and thermodynamic stability) indicates that this missense variant is not expected to disrupt PRKAG2 protein function with a negative predictive value of 95%. In summary, the available evidence is currently insufficient to determine the role of this variant in disease. Therefore, it has been classified as a Variant of Uncertain Significance.